The following is an entry in ClinVar:

NM_006343.3(MERTK):c.505_508del (p.Asp169fs)

Gene: MERTK (MER proto-oncogene, tyrosine kinase; plus strand). Cytogenetic location: 2q13.
Variant type: Deletion.
Coding change: c.505_508del on transcript NM_006343.3 (MANE Select); coding-DNA positions 505 to 508, 4 bases deleted (GACA; older notation c.505_508delGACA).
Protein change: p.Asp169fs; shifts the reading frame from aspartic acid 169.
Molecular consequence: frameshift variant.
Genome position (GRCh38, 1-based): chr2:111,944,982-111,944,985, GACA deleted; deleting any 4 consecutive bases within chr2:111,944,980-111,944,985 gives the same sequence; the c. name uses the placement nearest the transcript's 3' end. VCF-style (leftmost placement, unchanged base first): chr2-111944979-TCAGA-T. GRCh37 (hg19) VCF-style: chr2-112702556-TCAGA-T.
Other names: short protein forms D169fs.
Identifiers: ClinVar variation 2498830 (VCV002498830.31), dbSNP rs2466777309, ClinGen allele CA2580063746.
Genomic context (GRCh38, chr2:111,944,979, plus strand): 5'-GGGTAGTCACTGTAAATATCTTCATGTGTTTTTCTTTGCAGCATAACCAGTGTGCAGCGT[TCAGA>T]CAATGGGTCGTATATCTGTAAGATGAAAATAAACAATGAAGAGATCGTGTCTGATCCCAT-3'

ClinVar aggregate classification (germline): Pathogenic. Review status: criteria provided, multiple submitters, no conflicts (2 of 4 stars). 2 submissions from 2 submitters: Pathogenic (2). Last evaluated 2023-03-04.

Submissions (2):

Labcorp Genetics (formerly Invitae), Labcorp
Classification: Pathogenic. Last evaluated: 2023-03-04. Review status: criteria provided, single submitter. Criteria: Invitae Variant Classification Sherloc (09022015). Collection method: clinical testing. Allele origin: germline.
Comment: This sequence change creates a premature translational stop signal (p.Asp169Metfs*8) in the MERTK gene. It is expected to result in an absent or disrupted protein product. Loss-of-function variants in MERTK are known to be pathogenic (PMID: 24265693, 29659094). This variant is not present in population databases (gnomAD no frequency). This variant has not been reported in the literature in individuals affected with MERTK-related conditions. For these reasons, this variant has been classified as Pathogenic.

CeGaT Center for Human Genetics Tuebingen
Classification: Pathogenic. Last evaluated: 2023-03-01. Review status: criteria provided, single submitter. Criteria: CeGaT Center For Human Genetics Tuebingen Variant Classification Criteria Version 2. Collection method: clinical testing. Allele origin: germline. Affected: yes. Observed: 1 variant allele.
Comment: MERTK: PVS1, PM2

Literature cited by the submitters: PubMed 24265693 (cited by Labcorp Genetics (formerly Invitae), Labcorp); PubMed 29659094 (cited by Labcorp Genetics (formerly Invitae), Labcorp).